The following is an entry in ClinVar:

ClinVar aggregate classification (germline): Benign/Likely benign. Review status: criteria provided, multiple submitters, no conflicts (2 of 4 stars). 4 submissions from 4 submitters: Benign (3); Likely benign (1). Last evaluated 2024-11-26.

Allele frequency attached by ClinVar (database versions not stated): gnomAD exomes 0.00272 and 0.00730; ExAC 0.00849; ESP Exome Variant Server 0.02801; 1000 Genomes Project 30x 0.03935; 1000 Genomes Project 0.04173.

Submissions (4):

Blueprint Genetics
Classification: Likely benign. Last evaluated: 2024-11-26. Review status: criteria provided, single submitter. Criteria: ACMG Guidelines, 2015. Collection method: clinical testing. Allele origin: germline.

Mayo Clinic Laboratories, Mayo Clinic
Classification: Benign. Last evaluated: 2022-10-19. Review status: criteria provided, single submitter. Criteria: ACMG Guidelines, 2015. Collection method: clinical testing. Allele origin: germline. Observed: 98 variant alleles.
Comment: BA1, BP4

GeneDx
Classification: Benign. Last evaluated: 2018-07-05. Review status: criteria provided, single submitter. Criteria: GeneDx Variant Classification Process June 2021. Collection method: clinical testing. Allele origin: germline. Affected: yes.
Comment: This variant is associated with the following publications: (PMID: 32890900)

Breakthrough Genomics
Classification: Benign. Review status: criteria provided, single submitter. Criteria: ACMG Guidelines, 2015. Collection method: not provided. Allele origin: germline. Inheritance: Autosomal recessive inheritance. Affected: yes.

Literature cited by the submitters: PubMed 32890900 (cited by Mayo Clinic Laboratories, Mayo Clinic).

NM_002113.3(CFHR1):c.724C>G (p.Gln242Glu)

Gene: CFHR1 (complement factor H related 1; plus strand). Cytogenetic location: 1q31.3.
Variant type: single nucleotide variant.
Coding change: c.724C>G on transcript NM_002113.3 (MANE Select); coding-DNA position 724, C replaced by G.
Protein change: p.Gln242Glu; replaces glutamine 242 with glutamic acid.
Molecular consequence: missense variant.
Genome position (GRCh38, 1-based): chr1:196,830,616, C>G. VCF-style: chr1-196830616-C-G. GRCh37 (hg19) VCF-style: chr1-196799746-C-G.
Other names: p.Gln242Glu; c.673C>G, p.Gln225Glu (NM_001379306.1); c.562C>G, p.Gln188Glu (NM_001379307.1); c.559C>G, p.Gln187Glu (NM_001379308.1); c.556C>G, p.Gln186Glu (NM_001379309.1); c.529C>G, p.Gln177Glu (NM_001379310.1); c.520C>G, p.Gln174Glu (NM_001379311.1); c.481C>G, p.Gln161Glu (NM_001379312.1); short protein forms Q161E, Q174E, Q177E, Q186E, Q187E, Q188E, Q225E, Q242E.
Identifiers: ClinVar variation 1287619 (VCV001287619.4), dbSNP rs147253539, ClinGen allele CA1306565.